The following is an entry in ClinVar:

NM_016306.6(DNAJB11):c.23C>T (p.Thr8Ile)

Genes: DNAJB11 (DnaJ heat shock protein family (Hsp40) member B11; plus strand), LOC129938103 (ATAC-STARR-seq lymphoblastoid silent region 14987; plus strand). Cytogenetic location: 3q27.3.
Variant type: single nucleotide variant.
Coding change: c.23C>T on transcript NM_016306.6 (MANE Select); coding-DNA position 23, C replaced by T.
Protein change: p.Thr8Ile; replaces threonine 8 with isoleucine.
Molecular consequence: missense variant. On other transcripts: non-coding transcript variant (6).
Genome position (GRCh38, 1-based): chr3:186,570,920, C>T. VCF-style: chr3-186570920-C-T. GRCh37 (hg19) VCF-style: chr3-186288709-C-T.
Other names: c.23C>T, p.Thr8Ile (NM_001378451.1); short protein forms T8I.
Identifiers: ClinVar variation 2212422 (VCV002212422.3), dbSNP rs373431036, ClinGen allele CA2744387.

ClinVar aggregate classification (germline): Uncertain significance. Review status: criteria provided, multiple submitters, no conflicts (2 of 4 stars). 2 submissions from 2 submitters: Uncertain significance (2). Last evaluated 2025-10-06.

Conditions:
Inborn genetic diseases. Identifiers: MedGen C0950123, MeSH D030342.

Allele frequency attached by ClinVar (database versions not stated): ESP Exome Variant Server 0.00008; gnomAD 0.00009; TOPMed 0.00009.
gnomAD v4.1: 27 of 1,604,578 alleles (0.0017%); highest among the groups gnomAD compares: African/African-American, 0.03%; no homozygotes.

Submissions (2):

Labcorp Genetics (formerly Invitae), Labcorp
Classification: Uncertain significance. Last evaluated: 2025-10-06. Review status: criteria provided, single submitter. Criteria: Invitae Variant Classification Sherloc (09022015). Collection method: clinical testing. Allele origin: germline.
Comment: This sequence change replaces threonine, which is neutral and polar, with isoleucine, which is neutral and non-polar, at codon 8 of the DNAJB11 protein (p.Thr8Ile). This variant is present in population databases (rs373431036, gnomAD 0.03%). This variant has not been reported in the literature in individuals affected with DNAJB11-related conditions. ClinVar contains an entry for this variant (Variation ID: 2212422). An algorithm developed to predict the effect of missense changes on protein structure and function (PolyPhen-2) suggests that this variant is likely to be tolerated. In summary, the available evidence is currently insufficient to determine the role of this variant in disease. Therefore, it has been classified as a Variant of Uncertain Significance.

Ambry Genetics
Classification: Uncertain significance for Inborn genetic diseases. Last evaluated: 2021-07-06. Review status: criteria provided, single submitter. Criteria: Ambry Variant Classification Scheme 2023. Collection method: clinical testing. Allele origin: germline.